The following is an entry in ClinVar:

NM_000384.3(APOB):c.35T>C (p.Leu12Pro)

Genes: APOB (apolipoprotein B; minus strand), LOC106560211 (APOB 5' regulatory region; plus strand). Cytogenetic location: 2p24.1.
Variant type: single nucleotide variant.
Coding change: c.35T>C on transcript NM_000384.3 (MANE Select); coding-DNA position 35, T replaced by C.
Protein change: p.Leu12Pro; replaces leucine 12 with proline.
Molecular consequence: missense variant.
Genome position (GRCh38, 1-based): chr2:21,043,911, A>G on the plus strand (T>C on the coding strand, the complement: APOB is on the minus strand). VCF-style: chr2-21043911-A-G. GRCh37 (hg19) VCF-style: chr2-21266783-A-G.
Other names: p.Leu12Pro; short protein forms L12P.
Identifiers: ClinVar variation 897863 (VCV000897863.15), dbSNP rs758450840, ClinGen allele CA43470283.

ClinVar aggregate classification (germline): Uncertain significance. Review status: criteria provided, multiple submitters, no conflicts (2 of 4 stars). 8 submissions from 7 submitters: Uncertain significance (8). Last evaluated 2025-12-29.

Conditions:
Cardiovascular phenotype. Identifiers: MedGen CN230736.
Familial hypobetalipoproteinemia 1. Also called: APOB-Related Familial Hypobetalipoproteinemia; Hypobetalipoproteinemia, normotriglyceridemic; Acanthocytosis with hypobetalipoproteinemia. Identifiers: MedGen C4551990, MONDO:0014252, OMIM 615558.
Hypercholesterolemia, autosomal dominant, type B (FHCL2). Also called: Hyperlipoproteinemia Type IIb; APOLIPOPROTEIN B-100, FAMILIAL DEFECTIVE; APOLIPOPROTEIN B-100, FAMILIAL LIGAND-DEFECTIVE; HYPERCHOLESTEROLEMIA, FAMILIAL, DUE TO LIGAND-DEFECTIVE APOLIPOPROTEIN B; APOB-Related Familial Hypercholesterolemia, Autosomal Dominant; Familial Hypercholesterolemia Type B. Identifiers: MedGen C1704417, MONDO:0007751, OMIM 144010.
Familial hypercholesterolemia. Also called: Familial hypercholesterolaemia; Familial hypercholesterolemias. Identifiers: MedGen C0020445, MONDO:0005439.

Allele frequency attached by ClinVar (database versions not stated): gnomAD exomes 0.00007 and 0.00036; gnomAD 0.00015 and 0.00018.
gnomAD v4.1: 227 of 683,704 alleles (0.033%); highest among the groups gnomAD compares: East Asian, 0.33%; no homozygotes.

Submissions (8):

Cambridge Genomics Laboratory, East Genomic Laboratory Hub, NHS Genomic Medicine Service
Classification: Uncertain significance for Familial hypercholesterolaemia. Last evaluated: 2025-12-29. Review status: criteria provided, single submitter. Criteria: ACGS Best Practice Guidelines for Variant Classification in Rare Disease 2020. Collection method: clinical testing. Allele origin: germline. Affected: yes.
Comment: BS1_Strong

Molecular Diagnostic Laboratory for Inherited Cardiovascular Disease, Montreal Heart Institute
Classification: Uncertain significance for Cardiovascular phenotype. Last evaluated: 2025-04-09. Review status: criteria provided, single submitter. Criteria: ACMG Guidelines, 2015. Collection method: clinical testing. Allele origin: germline. Affected: yes.
Comment: BP4

Labcorp Genetics (formerly Invitae), Labcorp
Classification: Uncertain significance for Familial hypobetalipoproteinemia 1; Hypercholesterolemia, autosomal dominant, type B. Last evaluated: 2025-01-20. Review status: criteria provided, single submitter. Criteria: Invitae Variant Classification Sherloc (09022015). Collection method: clinical testing. Allele origin: germline.
Comment: This sequence change replaces leucine, which is neutral and non-polar, with proline, which is neutral and non-polar, at codon 12 of the APOB protein (p.Leu12Pro). The frequency data for this variant in the population databases is considered unreliable, as metrics indicate poor data quality at this position in the gnomAD database. This variant has not been reported in the literature in individuals affected with APOB-related conditions. ClinVar contains an entry for this variant (Variation ID: 897863). Invitae Evidence Modeling of protein sequence and biophysical properties (such as structural, functional, and spatial information, amino acid conservation, physicochemical variation, residue mobility, and thermodynamic stability) indicates that this missense variant is not expected to disrupt APOB protein function with a negative predictive value of 95%. In summary, the available evidence is currently insufficient to determine the role of this variant in disease. Therefore, it has been classified as a Variant of Uncertain Significance.

Mayo Clinic Laboratories, Mayo Clinic
Classification: Uncertain significance. Last evaluated: 2024-12-27. Review status: criteria provided, single submitter. Criteria: ACMG Guidelines, 2015. Collection method: clinical testing. Allele origin: germline. Observed: 2 variant alleles.
Comment: BP4_moderate

Quest Diagnostics Nichols Institute San Juan Capistrano
Classification: Uncertain significance. Last evaluated: 2022-12-06. Review status: criteria provided, single submitter. Criteria: Quest Diagnostics criteria. Collection method: clinical testing. Allele origin: unknown.
Comment: The frequency of this variant in the general population, 0.00013 (4/30402 chromosomes), is uninformative in assessment of its pathogenicity. Analysis of this variant using bioinformatics tools for the prediction of the effect of amino acid changes on protein structure and function yielded predictions that this variant is benign. Based on the available information, we are unable to determine the clinical significance of this variant.

Fulgent Genetics
Classification: Uncertain significance for Hypercholesterolemia, autosomal dominant, type B; Familial hypobetalipoproteinemia 1. Last evaluated: 2022-05-11. Review status: criteria provided, single submitter. Criteria: ACMG Guidelines, 2015. Collection method: clinical testing. Allele origin: unknown.

Illumina Laboratory Services, Illumina
Classification: Uncertain significance for Hypercholesterolemia, autosomal dominant, type B. Last evaluated: 2017-04-27. Review status: criteria provided, single submitter. Criteria: ICSL Variant Classification Criteria 13 December 2019. Collection method: clinical testing. Allele origin: germline.

Illumina Laboratory Services, Illumina
Classification: Uncertain significance for Familial hypobetalipoproteinemia 1. Last evaluated: 2017-04-27. Review status: criteria provided, single submitter. Criteria: ICSL Variant Classification Criteria 13 December 2019. Collection method: clinical testing. Allele origin: germline.
Comment: This variant was observed as part of a predisposition screen in an ostensibly healthy population. A literature search was performed for the gene, cDNA change, and amino acid change (where applicable). Publications were found based on this search. However, the evidence from the literature, in combination with allele frequency data from public databases where available, was not sufficient to rule this variant in or out of causing disease. Therefore, this variant is classified as a variant of unknown significance.

Literature cited by the submitters: PubMed 29036232 (cited by Mayo Clinic Laboratories, Mayo Clinic and Quest Diagnostics Nichols Institute San Juan Capistrano); PubMed 12655413 (cited by Illumina Laboratory Services, Illumina).